The following is an entry in ClinVar:

ClinVar aggregate classification (germline): Conflicting classifications of pathogenicity. Review status: criteria provided, conflicting classifications (1 of 4 stars). 2 submissions from 2 submitters: Pathogenic (1); Uncertain significance (1). Last evaluated 2024-12-16.

Conditions:
Hereditary spherocytosis type 1. Also called: Spherocytosis type 1; ANK1-Related Spherocytosis. Identifiers: Orphanet 822, MedGen C2674218, MONDO:0008447, OMIM 182900.

Submissions (2):

Revvity Omics, Revvity
Classification: Uncertain significance for Hereditary spherocytosis type 1. Last evaluated: 2024-12-16. Review status: criteria provided, single submitter. Criteria: ACMG Guidelines, 2015. Collection method: clinical testing. Allele origin: germline.

Labcorp Genetics (formerly Invitae), Labcorp
Classification: Pathogenic. Last evaluated: 2024-01-18. Review status: criteria provided, single submitter. Criteria: Invitae Variant Classification Sherloc (09022015). Collection method: clinical testing. Allele origin: germline.
Comment: This sequence change creates a premature translational stop signal (p.Ile1835Thrfs*16) in the ANK1 gene. It is expected to result in an absent or disrupted protein product. Loss-of-function variants in ANK1 are known to be pathogenic (PMID: 8640229). This variant is not present in population databases (gnomAD no frequency). This variant has not been reported in the literature in individuals affected with ANK1-related conditions. For these reasons, this variant has been classified as Pathogenic.

Literature cited by the submitters: PubMed 8640229 (cited by Labcorp Genetics (formerly Invitae), Labcorp).

NM_000037.4(ANK1):c.5504_5507del (p.Ile1835fs)

Gene: ANK1 (ankyrin 1; minus strand). Cytogenetic location: 8p11.21.
Variant type: Deletion.
Coding change: c.5504_5507del on transcript NM_000037.4 (MANE Select); coding-DNA positions 5504 to 5507, 4 bases deleted (TAGA; older notation c.5504_5507delTAGA).
Protein change: p.Ile1835fs; shifts the reading frame from isoleucine 1835.
Molecular consequence: frameshift variant. On other transcripts: intron variant (1).
Genome position (GRCh38, 1-based): chr8:41,661,913-41,661,916, TCTA deleted on the plus strand (TAGA on the coding strand, the reverse complement: ANK1 is on the minus strand); deleting any 4 consecutive bases within chr8:41,661,913-41,661,919 gives the same sequence; the c. name uses the placement nearest the transcript's 3' end. VCF-style (leftmost placement, unchanged base first): chr8-41661912-GTCTA-G. GRCh37 (hg19) VCF-style: chr8-41519430-GTCTA-G.
Other names: c.329_332del, p.Ile110fs (NM_001142445.2, NM_020478.5); c.5627_5630del, p.Ile1876fs (NM_001142446.2); c.5504_5507del, p.Ile1835fs (NM_020475.3, NM_020476.3); c.5018_5021del, p.Ile1673fs (NM_020477.3); c.303+1743_303+1746del (NM_020480.5); short protein forms I1876fs, I1835fs, I110fs, I1673fs.
Identifiers: ClinVar variation 2710013 (VCV002710013.4), dbSNP rs2487539517, ClinGen allele CA2697549846.